The following is an entry in ClinVar:

ClinVar aggregate classification (germline): Uncertain significance (1 of 4 stars; one submission).

Submission:

GeneDx
Classification: Uncertain significance. Last evaluated: 2025-06-24. Review status: criteria provided, single submitter. Criteria: GeneDx Variant Classification Process June 2021. Collection method: clinical testing. Allele origin: germline. Affected: yes.
Comment: Not observed at significant frequency in large population cohorts (gnomAD); In silico analysis supports that this missense variant has a deleterious effect on protein structure/function; Has not been previously published as pathogenic or benign to our knowledge

NM_001205293.3(CACNA1E):c.5198C>T (p.Ser1733Phe)

Gene: CACNA1E (calcium voltage-gated channel subunit alpha1 E; plus strand). Cytogenetic location: 1q25.3.
Variant type: single nucleotide variant.
Coding change: c.5198C>T on transcript NM_001205293.3 (MANE Select); coding-DNA position 5198, C replaced by T.
Protein change: p.Ser1733Phe; replaces serine 1733 with phenylalanine.
Molecular consequence: missense variant.
Genome position (GRCh38, 1-based): chr1:181,776,159, C>T. VCF-style: chr1-181776159-C-T. GRCh37 (hg19) VCF-style: chr1-181745295-C-T.
Other names: c.5198C>T, p.Ser1733Phe (NM_000721.4); c.5141C>T, p.Ser1714Phe (NM_001205294.2); short protein forms S1714F, S1733F.
Identifiers: ClinVar variation 4540373 (VCV004540373.1).